The following is an entry in ClinVar:

NC_000011.9:g.(?_61133497)_(61133708_?)del

Gene: TMEM138 (transmembrane protein 138; plus strand). Cytogenetic location: 11q12.2.
Variant type: Deletion.
Identifiers: ClinVar variation 1460234 (VCV001460234.6).

ClinVar aggregate classification (germline): Pathogenic (1 of 4 stars; one submission).

Conditions:
Joubert syndrome 16 (JBTS16). Identifiers: Orphanet 2318, MedGen C3280906, MONDO:0013764, OMIM 614465.

Submission:

Labcorp Genetics (formerly Invitae), Labcorp
Classification: Pathogenic for Joubert syndrome 16. Last evaluated: 2021-01-14. Review status: criteria provided, single submitter. Criteria: Invitae Variant Classification Sherloc (09022015). Collection method: clinical testing. Allele origin: germline.
Comment: For these reasons, this variant has been classified as Pathogenic. This variant has not been reported in the literature in individuals with TMEM138-related conditions. This variant is a gross deletion of the genomic region encompassing exon(s) 3 of the TMEM138 gene. This deletion is out-of-frame, and is expected to create a premature translational stop signal and result in an absent or disrupted protein product. Loss-of-function variants in TMEM138 are known to be pathogenic (PMID: 26489029).

Literature cited by the submitters: PubMed 26489029.